The following is an entry in ClinVar:

ClinVar aggregate classification (germline): Uncertain significance (1 of 4 stars; one submission).

Submission:

Labcorp Genetics (formerly Invitae), Labcorp
Classification: Uncertain significance. Last evaluated: 2023-11-28. Review status: criteria provided, single submitter. Criteria: Invitae Variant Classification Sherloc (09022015). Collection method: clinical testing. Allele origin: germline.
Comment: This sequence change replaces valine, which is neutral and non-polar, with glycine, which is neutral and non-polar, at codon 56 of the ADNP protein (p.Val56Gly). This variant is not present in population databases (gnomAD no frequency). This variant has not been reported in the literature in individuals affected with ADNP-related conditions. An algorithm developed to predict the effect of missense changes on protein structure and function (PolyPhen-2) suggests that this variant is likely to be disruptive. In summary, the available evidence is currently insufficient to determine the role of this variant in disease. Therefore, it has been classified as a Variant of Uncertain Significance.

NM_001282531.3(ADNP):c.167T>G (p.Val56Gly)

Gene: ADNP (activity dependent neuroprotector homeobox; minus strand). Cytogenetic location: 20q13.13.
Variant type: single nucleotide variant.
Coding change: c.167T>G on transcript NM_001282531.3 (MANE Select); coding-DNA position 167, T replaced by G.
Protein change: p.Val56Gly; replaces valine 56 with glycine.
Molecular consequence: missense variant.
Genome position (GRCh38, 1-based): chr20:50,902,051, A>C on the plus strand (T>G on the coding strand, the complement: ADNP is on the minus strand). VCF-style: chr20-50902051-A-C. GRCh37 (hg19) VCF-style: chr20-49518588-A-C.
Other names: c.167T>G, p.Val56Gly (NM_001282532.2, NM_001347511.2, NM_015339.5 and 1 more transcripts); short protein forms V56G.
Identifiers: ClinVar variation 2767256 (VCV002767256.3), dbSNP rs2515616123, ClinGen allele CA408981489.
Genomic context (GRCh38, chr20:50,902,051, plus strand): 5'-CTGAGGAAGTCTCCTGTGCCACTTACCTGGTTTTTCGTAAGTGATGGGTCCCACAGTCCT[A>C]CATCCTCCCATGTAGTGTTTTTCAAATAAAAGTCATTAGGTTCAAATTGTTTAAAATCCT-3'
Protein context (NP_001269460.1, residues 46-66): FYLKNTTWED[Val56Gly]GLWDPSLTKN